The following is an entry in ClinVar:

NM_017882.3(CLN6):c.1_11del (p.Met1fs)

Gene: CLN6 (CLN6 transmembrane ER protein; minus strand). Cytogenetic location: 15q23.
Variant type: Deletion.
Coding change: c.1_11del on transcript NM_017882.3 (MANE Select); coding-DNA positions 1 to 11, 11 bases deleted (ATGGAGGCGAC).
Protein change: p.Met1fs; shifts the reading frame from methionine 1.
Molecular consequence: frameshift variant, initiator codon variant.
Genome position (GRCh38, 1-based): chr15:68,229,574-68,229,584, GTCGCCTCCAT deleted on the plus strand (ATGGAGGCGAC on the coding strand, the reverse complement: CLN6 is on the minus strand); deleting any 11 consecutive bases within chr15:68,229,574-68,229,585 gives the same sequence; the c. name uses the placement nearest the transcript's 3' end. VCF-style (leftmost placement, unchanged base first): chr15-68229573-CGTCGCCTCCAT-C. GRCh37 (hg19) VCF-style: chr15-68521911-CGTCGCCTCCAT-C.
Other names: short protein forms M1fs.
Identifiers: ClinVar variation 1722846 (VCV001722846.3), dbSNP rs2505442187, ClinGen allele CA2580089900.

ClinVar aggregate classification (germline): Pathogenic (1 of 4 stars; one submission).

Submission:

GeneDx
Classification: Pathogenic. Last evaluated: 2022-05-04. Review status: criteria provided, single submitter. Criteria: GeneDx Variant Classification Process June 2021. Collection method: clinical testing. Allele origin: germline. Affected: yes.
Comment: Initiation codon variant in a gene for which loss-of-function is a known mechanism of disease; Not observed at significant frequency in large population cohorts (gnomAD); This variant is associated with the following publications: (PMID: 28454995)